The following is an entry in ClinVar:

NM_005188.4(CBL):c.2393CCT[1] (p.Ser799del)

Gene: CBL (Cbl proto-oncogene; plus strand). Cytogenetic location: 11q23.3.
Variant type: Microsatellite.
Coding change: c.2393CCT[1] on transcript NM_005188.4 (MANE Select); one copy of the 3-base unit CCT starting at c.2393; the reference has two copies in a row; one copy, 3 bases deleted; also written c.2396_2398del.
Protein change: p.Ser799del; deletes serine 799.
Molecular consequence: inframe deletion.
Genome position (GRCh38, 1-based): chr11:119,298,502-119,298,504, CCT deleted; deleting any 3 consecutive bases within chr11:119,298,497-119,298,504 gives the same sequence; the position shown is the placement nearest the transcript's 3' end. VCF-style (leftmost placement, unchanged base first): chr11-119298496-GCTC-G. GRCh37 (hg19) VCF-style: chr11-119169206-GCTC-G.
Other names: c.2396_2398delCCT (NM_005188.3); c.2396_2398del (NM_005188.4); short protein forms S799del.
Identifiers: ClinVar variation 842157 (VCV000842157.16), dbSNP rs755938138, ClinGen allele CA6318767.

ClinVar aggregate classification (germline): Uncertain significance. Review status: criteria provided, multiple submitters, no conflicts (2 of 4 stars). 6 submissions from 6 submitters: Uncertain significance (6). Last evaluated 2026-08-06.

Conditions:
CBL-related disorder. Also called: CBL MUTATION-ASSOCIATED SYNDROME; CBL SYNDROME; NOONAN SYNDROME-LIKE DISORDER WITHOUT JUVENILE MYELOMONOCYTIC LEUKEMIA. Identifiers: Orphanet 363972, MedGen C3150803, MONDO:0013308, OMIM 613563.
Juvenile myelomonocytic leukemia (JMML). Also called: LEUKEMIA, JUVENILE MYELOMONOCYTIC, SOMATIC. Identifiers: Orphanet 86834, MedGen C0349639, MONDO:0011908, OMIM 607785, HP:0012209.
RASopathy. Also called: Noonan spectrum disorder; rasopathies. Identifiers: Orphanet 536391, MedGen C5555857, MONDO:0021060.

Submissions (6):

OLLIN Analises Genomicas, OLLIN
Classification: Uncertain significance. Last evaluated: 2026-08-06. Review status: criteria provided, single submitter. Criteria: ACMG Guidelines 2015 PMID 25741868. Collection method: clinical testing. Allele origin: germline.
Comment: This in-frame deletion, located in exon 15 (of 16), has been reported in ClinVar (accession VCV000842157.14) and in gnomAD with an allele frequency of 0.0015%. However, to our knowledge, it has not been reported in the scientific literature. This variant removes 1 amino acid, preserving the reading frame and leading to a reduced protein length. According to the currently available evidence, this variant has been classified as uncertain significance (PM4).

CeGaT Center for Human Genetics Tuebingen
Classification: Uncertain significance. Last evaluated: 2026-07-01. Review status: criteria provided, single submitter. Criteria: CeGaT Center For Human Genetics Tuebingen Variant Classification Criteria Version 2. Collection method: clinical testing. Allele origin: germline. Affected: yes. Observed: 1 variant allele.
Comment: CBL: PM4:Supporting

Labcorp Genetics (formerly Invitae), Labcorp
Classification: Uncertain significance for RASopathy. Last evaluated: 2025-12-08. Review status: criteria provided, single submitter. Criteria: Invitae Variant Classification Sherloc (09022015). Collection method: clinical testing. Allele origin: germline.
Comment: This variant, c.2396_2398del, results in the deletion of 1 amino acid(s) of the CBL protein (p.Ser799del), but otherwise preserves the integrity of the reading frame. This variant is present in population databases (rs755938138, gnomAD 0.006%). This variant has not been reported in the literature in individuals affected with CBL-related conditions. ClinVar contains an entry for this variant (Variation ID: 842157). Experimental studies and prediction algorithms are not available or were not evaluated, and the functional significance of this variant is currently unknown. In summary, the available evidence is currently insufficient to determine the role of this variant in disease. Therefore, it has been classified as a Variant of Uncertain Significance.

Women's Health and Genetics/Laboratory Corporation of America, LabCorp
Classification: Uncertain significance. Last evaluated: 2023-08-15. Review status: criteria provided, single submitter. Criteria: LabCorp Variant Classification Summary - May 2015. Collection method: clinical testing. Allele origin: germline.
Comment: Variant summary: CBL c.2396_2398delCCT (p.Ser799del) results in an in-frame deletion that is predicted to remove one amino acid from the encoded protein. The variant allele was found at a frequency of 2.8e-05 in 251472 control chromosomes (gnomAD). The available data on variant occurrences in the general population are insufficient to allow any conclusion about variant significance. To our knowledge, no occurrence of c.2396_2398delCCT in individuals affected with Noonan Syndrome and Related Conditions and no experimental evidence demonstrating its impact on protein function have been reported. Three submitters have cited clinical-significance assessments for this variant to ClinVar after 2014. All submitters classified the variant as uncertain significance. Based on the evidence outlined above, the variant was classified as uncertain significance.

Fulgent Genetics
Classification: Uncertain significance for Juvenile myelomonocytic leukemia; CBL-related disorder. Last evaluated: 2021-08-03. Review status: criteria provided, single submitter. Criteria: ACMG Guidelines, 2015. Collection method: clinical testing. Allele origin: unknown.

Centre of Medical Genetics, University Hospital Muenster
Classification: Uncertain significance. Last evaluated: 2021-05-05. Review status: criteria provided, single submitter. Criteria: ACMG Guidelines, 2015. Collection method: clinical testing. Allele origin: unknown. Affected: yes. Observed: 1 variant allele, 1 heterozygote.
Comment: ACMG categories: PM2